The following is an entry in ClinVar:

NM_000218.3(KCNQ1):c.1514+2895G>A

Genes: KCNQ1 (potassium voltage-gated channel subfamily Q member 1; plus strand), KCNQ1OT1 (KCNQ1 opposite strand/antisense transcript 1; minus strand). Cytogenetic location: 11p15.5.
Variant type: single nucleotide variant.
Coding change: c.1514+2895G>A on transcript NM_000218.3 (MANE Select); 2895 bases into the intron after coding-DNA position 1514, G replaced by A.
Molecular consequence: intron variant. On other transcripts: non-coding transcript variant (1).
Genome position (GRCh38, 1-based): chr11:2,664,976, G>A. VCF-style: chr11-2664976-G-A. GRCh37 (hg19) VCF-style: chr11-2686206-G-A.
Other names: c.1244+2895G>A (NM_001406837.1); c.1418+2895G>A (NM_001406836.1); c.974+2895G>A (NM_001406838.1); c.1133+2895G>A (NM_181798.2); c.1514+2895G>A (NM_000218.2).
Identifiers: ClinVar variation 2641456 (VCV002641456.25), dbSNP rs556288596, ClinGen allele CA216173487.
Genomic context (GRCh38, chr11:2,664,976, plus strand): 5'-CCCGCCCGCAGGGCCCCAGAGAGGTGAGGTCACTATAGCCTTGATTACGGGAAGGTCCCT[G>A]GGGCTGGGCGAAGCTCCTCTTTCCGGGGCCTGTTAGCCAGAGGTGGGGTGGGGGGTGAGC-3'

ClinVar aggregate classification (germline): Likely benign. Review status: criteria provided, single submitter (1 of 4 stars). 2 submissions from 2 submitters: Likely benign (1). 1 of the submissions does not count toward it. Last evaluated 2026-06-01.

Conditions:
KCNQ1-related disorder. Also called: KCNQ1-related disorders; KCNQ1-related condition. Identifiers: MedGen CN239322.

Allele frequency attached by ClinVar (database versions not stated): gnomAD 0.00068; gnomAD exomes 0.00077; TOPMed 0.00087.
gnomAD v4.1: 301 of 398,540 alleles (0.076%); highest among the groups gnomAD compares: Non-Finnish European, 0.12%; no homozygotes.

Submissions (2):

CeGaT Center for Human Genetics Tuebingen
Classification: Likely benign. Last evaluated: 2026-06-01. Review status: criteria provided, single submitter. Criteria: CeGaT Center For Human Genetics Tuebingen Variant Classification Criteria Version 2. Collection method: clinical testing. Allele origin: germline. Affected: yes. Observed: 8 variant alleles.
Comment: KCNQ1OT1: BS1

PreventionGenetics, part of Exact Sciences
Classification: Likely benign for KCNQ1-related condition. Last evaluated: 2019-10-29. Review status: no assertion criteria provided. Collection method: clinical testing. Allele origin: germline. Not counted in ClinVar's aggregate classification.
Comment: This variant is classified as likely benign based on ACMG/AMP sequence variant interpretation guidelines (Richards et al. 2015 PMID: 25741868, with internal and published modifications).